The following is an entry in ClinVar:

NM_018897.3(DNAH7):c.4906G>A (p.Glu1636Lys)

Gene: DNAH7 (dynein axonemal heavy chain 7; minus strand). Cytogenetic location: 2q32.3.
Variant type: single nucleotide variant.
Coding change: c.4906G>A on transcript NM_018897.3 (MANE Select); coding-DNA position 4906, G replaced by A.
Protein change: p.Glu1636Lys; replaces glutamic acid 1636 with lysine.
Molecular consequence: missense variant.
Genome position (GRCh38, 1-based): chr2:195,891,795, C>T on the plus strand (G>A on the coding strand, the complement: DNAH7 is on the minus strand). VCF-style: chr2-195891795-C-T. GRCh37 (hg19) VCF-style: chr2-196756519-C-T.
Other names: short protein forms E1636K.
Identifiers: ClinVar variation 3363526 (VCV003363526.1).

ClinVar aggregate classification (germline): Uncertain significance (1 of 4 stars; one submission).

gnomAD v4.1: 3 of 1,545,398 alleles (0.00019%); highest among the groups gnomAD compares: African/African-American, 0.0031%; no homozygotes.

Submission:

GeneDx
Classification: Uncertain significance. Last evaluated: 2023-10-25. Review status: criteria provided, single submitter. Criteria: GeneDx Variant Classification Process June 2021. Collection method: clinical testing. Allele origin: germline. Affected: yes.
Comment: In silico analysis supports that this missense variant does not alter protein structure/function; Has not been previously published as pathogenic or benign to our knowledge; Variants in candidate genes are classified as variants of uncertain significance in accordance with ACMG guidelines (PMID: 25741868)